The following is an entry in ClinVar:

NM_178172.6(GPIHBP1):c.397del (p.Ser133fs)

Gene: GPIHBP1 (glycosylphosphatidylinositol anchored high density lipoprotein binding protein 1; plus strand). Cytogenetic location: 8q24.3.
Variant type: Deletion.
Coding change: c.397del on transcript NM_178172.6 (MANE Select); coding-DNA position 397, one base deleted (T; older notation c.397delT).
Protein change: p.Ser133fs; shifts the reading frame from serine 133.
Molecular consequence: frameshift variant. On other transcripts: intron variant (1).
Genome position (GRCh38, 1-based): chr8:143,215,360, T deleted. VCF-style (leftmost placement, unchanged base first): chr8-143215359-GT-G. GRCh37 (hg19) VCF-style: chr8-144297234-GT-G.
Other names: c.375+22del (NM_001301772.2); short protein forms S133fs.
Identifiers: ClinVar variation 1803904 (VCV001803904.1), dbSNP rs2488909361, ClinGen allele CA2580078628.

ClinVar aggregate classification (germline): Likely pathogenic (1 of 4 stars; one submission).

Conditions:
Hyperlipoproteinemia, type 1D. Also called: Hyperlipoproteinemia, type ID. Identifiers: Orphanet 444490, Orphanet 535458, MedGen C4014767, MONDO:0014412, OMIM 615947.

Submission:

New York Genome Center
Classification: Likely pathogenic for Hyperlipoproteinemia, type 1D. Last evaluated: 2020-12-16. Review status: criteria provided, single submitter. Criteria: NYGC Assertion Criteria 2020. Collection method: clinical testing. Allele origin: germline. Observed: 1 heterozygote.
Comment: The heterozygous one nucleotide deletion, c.397del (p.Ser133ProfsTer120), identified in the GPIHBP1 gene has not been reported in affected individuals in the literature. The c.397del variant is predicted to alter the wild type translational reading frame. The variant is located in the last exon of GPIHBP1 and, therefore, the mutant mRNA is predicted to escape nonsense mediated decay. If translated, the resulting aberrant protein is predicted to have an altered functionally-important cysteine-rich Ly6 domain [amino acids 51 to 151, PMID:24614124]. Frameshift variants downstream of c.397del have been reported in the literature [PMID:24614124,30150141]. The c.397del variant is absent from gnomAD database indicating it is an extremely rare allele in the populations represented in that database. Based on the available evidence, the heterozygous c.397del (p.Ser133ProfsTer120) variant identified in the GPIHBP1 gene is reported as likely pathogenic.